The following is an entry in ClinVar:

NM_001077653.2(TBX20):c.1152G>T (p.Gln384His)

Gene: TBX20 (T-box transcription factor 20; minus strand). Cytogenetic location: 7p14.2.
Variant type: single nucleotide variant.
Coding change: c.1152G>T on transcript NM_001077653.2 (MANE Select); coding-DNA position 1152, G replaced by T.
Protein change: p.Gln384His; replaces glutamine 384 with histidine.
Molecular consequence: missense variant.
Genome position (GRCh38, 1-based): chr7:35,202,622, C>A on the plus strand (G>T on the coding strand, the complement: TBX20 is on the minus strand). VCF-style: chr7-35202622-C-A. GRCh37 (hg19) VCF-style: chr7-35242234-C-A.
Other names: short protein forms Q384H.
Identifiers: ClinVar variation 2574211 (VCV002574211.2), dbSNP rs2546980933, ClinGen allele CA367263102.

ClinVar aggregate classification (germline): Uncertain significance (1 of 4 stars; one submission).

Submission:

GeneDx
Classification: Uncertain significance. Last evaluated: 2024-08-09. Review status: criteria provided, single submitter. Criteria: GeneDx Variant Classification Process June 2021. Collection method: clinical testing. Allele origin: germline. Affected: yes.
Comment: Not observed at significant frequency in large population cohorts (gnomAD); In silico analysis indicates that this missense variant does not alter protein structure/function; Has not been previously published as pathogenic or benign to our knowledge